The following is an entry in ClinVar:

NM_001035.3(RYR2):c.1392C>A (p.His464Gln)

Gene: RYR2 (ryanodine receptor 2; plus strand). Cytogenetic location: 1q43.
Variant type: single nucleotide variant.
Coding change: c.1392C>A on transcript NM_001035.3 (MANE Select); coding-DNA position 1392, C replaced by A.
Protein change: p.His464Gln; replaces histidine 464 with glutamine.
Molecular consequence: missense variant.
Genome position (GRCh38, 1-based): chr1:237,454,490, C>A. VCF-style: chr1-237454490-C-A. GRCh37 (hg19) VCF-style: chr1-237617790-C-A.
Other names: c.1392C>A, p.His464Gln (LRG_402t1); short protein forms H464Q.
Identifiers: ClinVar variation 427953 (VCV000427953.25), dbSNP rs749032742, ClinGen allele CA085521.

ClinVar aggregate classification (germline): Conflicting classifications of pathogenicity. Review status: criteria provided, conflicting classifications (1 of 4 stars). 10 submissions from 10 submitters: Uncertain significance (7); Likely benign (3). Last evaluated 2025-12-19.

Conditions:
Catecholaminergic polymorphic ventricular tachycardia (CVPT). Also called: Catecholamine-induced polymorphic ventricular tachycardia. Identifiers: Orphanet 3286, MedGen C5574922, MONDO:0017990.
Cardiomyopathy (CMYO). Also called: Cardiomyopathies. Identifiers: Orphanet 167848, MedGen C0878544, MONDO:0004994, HP:0001638. Inheritance: Various modes of inheritance.
Catecholaminergic polymorphic ventricular tachycardia 1. Also called: VENTRICULAR TACHYCARDIA, CATECHOLAMINERGIC POLYMORPHIC, 1, WITH OR WITHOUT ATRIAL DYSFUNCTION AND/OR DILATED CARDIOMYOPATHY; VENTRICULAR TACHYCARDIA, STRESS-INDUCED POLYMORPHIC 1; RYR2-Related Catecholaminergic Polymorphic Ventricular Tachycardia. Identifiers: Orphanet 3286, MedGen C1631597, MONDO:0011484, OMIM 604772.
Arrhythmogenic right ventricular dysplasia 2. Identifiers: MedGen C1832931.
Ventricular arrhythmias due to cardiac ryanodine receptor calcium release deficiency syndrome. Also called: Autosomal dominant cardiac arrhythmia (Kuhn). Identifiers: MedGen C5542154, MONDO:0020745, OMIM 115000.
Hypertrophic cardiomyopathy. Also called: HYPERTROPHIC MYOCARDIOPATHY. Identifiers: Orphanet 217569, MedGen C0007194, MeSH D002312, MONDO:0005045, HP:0001639.
Cardiovascular phenotype. Identifiers: MedGen CN230736.

Allele frequency attached by ClinVar (database versions not stated): gnomAD 0.00001; ExAC 0.00005; gnomAD exomes 0.00005; TOPMed 0.00005.
gnomAD v4.1: 115 of 1,612,356 alleles (0.0071%); highest among the groups gnomAD compares: Middle Eastern, 0.083%; no homozygotes.

Submissions (10):

Labcorp Genetics (formerly Invitae), Labcorp
Classification: Likely benign for Catecholaminergic polymorphic ventricular tachycardia 1. Last evaluated: 2025-12-19. Review status: criteria provided, single submitter. Criteria: Invitae Variant Classification Sherloc (09022015). Collection method: clinical testing. Allele origin: germline.

Molecular Diagnostic Laboratory for Inherited Cardiovascular Disease, Montreal Heart Institute
Classification: Likely benign. Last evaluated: 2025-04-09. Review status: criteria provided, single submitter. Criteria: ACMG Guidelines, 2015. Collection method: clinical testing. Allele origin: germline. Affected: no.
Comment: PM1, PP2, BS1, BP4

All of Us Research Program, National Institutes of Health
Classification: Uncertain significance for Catecholaminergic polymorphic ventricular tachycardia. Last evaluated: 2024-08-06. Review status: criteria provided, single submitter. Criteria: ACMG Guidelines, 2015. Collection method: clinical testing. Allele origin: germline. Inheritance: Autosomal dominant inheritance. Observed: 16 variant alleles, 16 heterozygotes.
Comment: This variant replaces histidine with glutamine at codon 464 of the RYR2 protein. Computational prediction suggests that this variant may not impact protein structure and function (internally defined REVEL score threshold <= 0.5, PMID: 27666373). To our knowledge, functional studies have not been reported for this variant. This variant has been reported in an individual affected with sudden unexplained death (PMID: 27930701) and in a homozygous pediatric patient with acute myocarditis and supraventricular tachycardia (PMID: 28359509). This variant has been identified in 13/248638 chromosomes in the general population by the Genome Aggregation Database (gnomAD). The available evidence is insufficient to determine the role of this variant in disease conclusively. Therefore, this variant is classified as a Variant of Uncertain Significance.

This study involves interpretation of variants in research participants for the purpose of population health screening. Participant phenotype was not available at the time of variant classification. Additional details can be found in publication PMID: 35346344, PMCID: PMC8962531

Color Diagnostics, LLC DBA Color Health
Classification: Uncertain significance for Cardiomyopathy. Last evaluated: 2024-05-02. Review status: criteria provided, single submitter. Criteria: ACMG Guidelines, 2015. Collection method: clinical testing. Allele origin: germline.
Comment: This variant replaces histidine with glutamine at codon 464 of the RYR2 protein. Computational prediction suggests that this variant may not impact protein structure and function (internally defined REVEL score threshold <= 0.5, PMID: 27666373). To our knowledge, functional studies have not been reported for this variant. This variant has been reported in an individual affected with sudden unexplained death (PMID: 27930701) and in a homozygous pediatric patient with acute myocarditis and supraventricular tachycardia (PMID: 28359509). This variant has been identified in 13/248638 chromosomes in the general population by the Genome Aggregation Database (gnomAD). The available evidence is insufficient to determine the role of this variant in disease conclusively. Therefore, this variant is classified as a Variant of Uncertain Significance.

Ambry Genetics
Classification: Likely benign for Cardiovascular phenotype. Last evaluated: 2023-11-30. Review status: criteria provided, single submitter. Criteria: Ambry Variant Classification Scheme 2023. Collection method: clinical testing. Allele origin: germline.

Blueprint Genetics
Classification: Uncertain significance. Last evaluated: 2022-12-21. Review status: criteria provided, single submitter. Criteria: ACMG Guidelines, 2015. Collection method: clinical testing. Allele origin: germline.

Fulgent Genetics
Classification: Uncertain significance for Ventricular arrhythmias due to cardiac ryanodine receptor calcium release deficiency syndrome; Catecholaminergic polymorphic ventricular tachycardia 1. Last evaluated: 2021-09-03. Review status: criteria provided, single submitter. Criteria: ACMG Guidelines, 2015. Collection method: clinical testing. Allele origin: unknown.

GeneDx
Classification: Uncertain significance. Last evaluated: 2020-09-23. Review status: criteria provided, single submitter. Criteria: GeneDx Variant Classification Process June 2021. Collection method: clinical testing. Allele origin: germline. Affected: yes.
Comment: Located in one of the three hot-spot regions of the RYR2 gene, where the majority of pathogenic missense variants occur (Medeiros-Domingo et al., 2009); In silico analysis, which includes protein predictors and evolutionary conservation, supports that this variant does not alter protein structure/function; Reported in ClinVar as a variant of uncertain significance but additional evidence is not available (ClinVar Variant ID 427953; Landrum et al., 2016); This variant is associated with the following publications: (PMID: 27930701, 28359509)

CHEO Genetics Diagnostic Laboratory, Children's Hospital of Eastern Ontario
Classification: Uncertain significance for Cardiomyopathy. Last evaluated: 2017-10-02. Review status: criteria provided, single submitter. Criteria: ACMG Guidelines, 2015. Collection method: clinical testing. Allele origin: germline. Study: Canadian Open Genetics Repository.

Center for Human Genetics, University of Leuven
Classification: Uncertain significance for Hypertrophic cardiomyopathy. Last evaluated: 2017-02-09. Review status: criteria provided, single submitter. Criteria: ACMG Guidelines, 2015. Collection method: clinical testing. Allele origin: germline. Inheritance: Autosomal dominant inheritance. Affected: yes. Observed: 1 variant allele.
Comment: ACMG score unknown significance

Literature cited by the submitters: PubMed 27930701 (cited by 3 submitters); PubMed 28359509 (cited by 3 submitters); PubMed 28404607 (cited by Ambry Genetics); PubMed 29255176 (cited by Ambry Genetics).